The following is an entry in ClinVar:

ClinVar aggregate classification (germline): Uncertain significance (1 of 4 stars; one submission).

Submission:

GeneDx
Classification: Uncertain significance. Last evaluated: 2014-06-16. Review status: criteria provided, single submitter. Criteria: GeneDx Variant Classification (06012015). Collection method: clinical testing. Allele origin: germline. Affected: yes.
Comment: c.2128_2129dupCA: p.Gln710HisfsX17 (Q710HfsX17) in exon 12 of the FASTKD2 gene (NM_014929.3). The normal sequence with the bases that are duplicated in braces is: GCACA{CA}ATAA. The c.2128_2129dupCA variant has not been published as a mutation, nor has it been reported as a benign polymorphism to our knowledge. The duplication causes a frameshift starting with codon Glutamine 710, changes this amino acid to a Histidine residue and creates a premature Stop codon at position 17 of the new reading frame, denoted p.Gln710HisfsX17. As a result of this change, the last correct amino acid of the protein is replaced with 16 incorrect amino acids. Whether or not the addition of 16 incorrect amino acids will affect the function of the FASTKD2 protein is not known without functional studies. Therefore, based on the currently available information, it is unclear whether this variant is a pathogenic mutation or a rare benign variant. The variant is found in MITONUC-MITOP panel(s).

NM_001136193.2(FASTKD2):c.2128_2129dup (p.Gln710fs)

Gene: FASTKD2 (FAST kinase domains 2; plus strand). Cytogenetic location: 2q33.3.
Variant type: Microsatellite.
Coding change: c.2128_2129dup on transcript NM_001136193.2 (MANE Select); coding-DNA positions 2128 to 2129, 2 bases duplicated (CA; older notation c.2128_2129dupCA).
Protein change: p.Gln710fs; shifts the reading frame from glutamine 710.
Molecular consequence: frameshift variant.
Genome position (GRCh38, 1-based): chr2:206,791,797-206,791,798, CA duplicated; duplicating any 2 consecutive bases within chr2:206,791,793-206,791,798 gives the same sequence; the c. name uses the placement nearest the transcript's 3' end. VCF-style (leftmost placement, unchanged base first): chr2-206791792-G-GCA. GRCh37 (hg19) VCF-style: chr2-207656516-G-GCA.
Other names: c.2128_2129dup, p.Gln710fs (NM_001136194.2, NM_014929.4); c.2128_2129dupCA (NM_014929.3); short protein forms Q710fs.
Identifiers: ClinVar variation 214354 (VCV000214354.1), dbSNP rs863223963, ClinGen allele CA325256.